The following is an entry in ClinVar:

ClinVar aggregate classification (germline): Uncertain significance (1 of 4 stars; one submission).

Conditions:
Type 2 diabetes mellitus. Also called: Type II diabetes mellitus. Identifiers: MedGen C0011860, MeSH D003924, MONDO:0005148, OMIM 125853, HP:0005978.
Hypoinsulinemic hypoglycemia and body hemihypertrophy. Also called: Hypoinsulinemic hypoglycemia and hemihypertrophy. Identifiers: Orphanet 293964, MedGen C3278384, MONDO:0009416, OMIM 240900.

Allele frequency attached by ClinVar (database versions not stated): ExAC 0.00001; gnomAD exomes 0.00001.
gnomAD v4.1: 3 of 1,614,022 alleles (0.00019%); highest among the groups gnomAD compares: Admixed American, 0.005%; no homozygotes.

Submission:

Labcorp Genetics (formerly Invitae), Labcorp
Classification: Uncertain significance for Hypoinsulinemic hypoglycemia and body hemihypertrophy; Type 2 diabetes mellitus. Last evaluated: 2023-10-23. Review status: criteria provided, single submitter. Criteria: Invitae Variant Classification Sherloc (09022015). Collection method: clinical testing. Allele origin: germline.
Comment: This sequence change replaces aspartic acid, which is acidic and polar, with glutamic acid, which is acidic and polar, at codon 192 of the AKT2 protein (p.Asp192Glu). This variant is present in population databases (rs774646421, gnomAD 0.006%). This missense change has been observed in individual(s) with dyslipidemia (PMID: 32041611). An algorithm developed to predict the effect of missense changes on protein structure and function (PolyPhen-2) suggests that this variant is likely to be tolerated. In summary, the available evidence is currently insufficient to determine the role of this variant in disease. Therefore, it has been classified as a Variant of Uncertain Significance.

Literature cited by the submitters: PubMed 32041611.

NM_001626.6(AKT2):c.576T>G (p.Asp192Glu)

Gene: AKT2 (AKT serine/threonine kinase 2; minus strand). Cytogenetic location: 19q13.2.
Variant type: single nucleotide variant.
Coding change: c.576T>G on transcript NM_001626.6 (MANE Select); coding-DNA position 576, T replaced by G.
Protein change: p.Asp192Glu; replaces aspartic acid 192 with glutamic acid.
Molecular consequence: missense variant.
Genome position (GRCh38, 1-based): chr19:40,240,108, A>C on the plus strand (T>G on the coding strand, the complement: AKT2 is on the minus strand). VCF-style: chr19-40240108-A-C. GRCh37 (hg19) VCF-style: chr19-40746015-A-C.
Other names: c.390T>G, p.Asp130Glu (NM_001243027.3, NM_001243028.3); c.576T>G, p.Asp192Glu (NM_001330511.1); short protein forms D130E, D192E.
Identifiers: ClinVar variation 2924222 (VCV002924222.3), dbSNP rs774646421, ClinGen allele CA9441805.